The following is an entry in ClinVar:

NM_001042432.2(CLN3):c.277A>G (p.Asn93Asp)

Gene: CLN3 (CLN3 lysosomal/endosomal transmembrane protein, battenin; minus strand). Cytogenetic location: 16p12.1.
Variant type: single nucleotide variant.
Coding change: c.277A>G on transcript NM_001042432.2 (MANE Select); coding-DNA position 277, A replaced by G.
Protein change: p.Asn93Asp; replaces asparagine 93 with aspartic acid.
Molecular consequence: missense variant. On other transcripts: synonymous variant (1), intron variant (2).
Genome position (GRCh38, 1-based): chr16:28,488,608, T>C on the plus strand (A>G on the coding strand, the complement: CLN3 is on the minus strand). VCF-style: chr16-28488608-T-C. GRCh37 (hg19) VCF-style: chr16-28499929-T-C.
Other names: c.277A>G, p.Asn93Asp (NM_000086.2); c.57A>G, p.Ala19= (NM_001286105.2); c.115A>G, p.Asn39Asp (NM_001286110.2); c.60+682A>G (NM_001286109.2); c.222+682A>G (NM_001286104.2); short protein forms N93D, N39D.
Identifiers: ClinVar variation 1399716 (VCV001399716.5), dbSNP rs761369095, ClinGen allele CA7981001.

ClinVar aggregate classification (germline): Uncertain significance. Review status: criteria provided, multiple submitters, no conflicts (2 of 4 stars). 3 submissions from 3 submitters: Uncertain significance (3). Last evaluated 2024-03-26.

Conditions:
Neuronal ceroid lipofuscinosis. Also called: Neuronal Ceroid Lipofuscinoses. Identifiers: Orphanet 216, Orphanet 79263, MedGen C0027877, MONDO:0016295. Disease mechanism: loss of function.

Allele frequency attached by ClinVar (database versions not stated): gnomAD 0.00001; TOPMed 0.00001.
gnomAD v4.1: 12 of 1,614,046 alleles (0.00074%); highest among the groups gnomAD compares: African/African-American, 0.0013%; no homozygotes.

Submissions (3):

Blueprint Genetics
Classification: Uncertain significance. Last evaluated: 2024-03-26. Review status: criteria provided, single submitter. Criteria: ACMG Guidelines, 2015. Collection method: clinical testing. Allele origin: germline.

Labcorp Genetics (formerly Invitae), Labcorp
Classification: Uncertain significance for Neuronal ceroid lipofuscinosis. Last evaluated: 2022-06-13. Review status: criteria provided, single submitter. Criteria: Invitae Variant Classification Sherloc (09022015). Collection method: clinical testing. Allele origin: germline.
Comment: This sequence change replaces asparagine, which is neutral and polar, with aspartic acid, which is acidic and polar, at codon 93 of the CLN3 protein (p.Asn93Asp). This variant is present in population databases (rs761369095, gnomAD 0.003%). This variant has not been reported in the literature in individuals affected with CLN3-related conditions. Algorithms developed to predict the effect of missense changes on protein structure and function are either unavailable or do not agree on the potential impact of this missense change (SIFT: "Tolerated"; PolyPhen-2: "Probably Damaging"; Align-GVGD: "Class C0"). In summary, the available evidence is currently insufficient to determine the role of this variant in disease. Therefore, it has been classified as a Variant of Uncertain Significance.

GeneDx
Classification: Uncertain significance. Last evaluated: 2022-02-01. Review status: criteria provided, single submitter. Criteria: GeneDx Variant Classification Process June 2021. Collection method: clinical testing. Allele origin: germline. Affected: yes.
Comment: Not observed at significant frequency in large population cohorts (gnomAD); In silico analysis supports that this missense variant has a deleterious effect on protein structure/function; Has not been previously published as pathogenic or benign to our knowledge